The following is an entry in ClinVar:

ClinVar aggregate classification (germline): Benign/Likely benign. Review status: criteria provided, multiple submitters, no conflicts (2 of 4 stars). 4 submissions from 4 submitters: Benign (1); Likely benign (2). 1 of the submissions does not count toward it. Last evaluated 2026-01-07.

Conditions:
KMT2A-related disorder. Also called: KMT2A-related condition.

Allele frequency attached by ClinVar (database versions not stated): gnomAD exomes 0.00004 and 0.00010; ExAC 0.00010; 1000 Genomes Project 30x 0.00016; 1000 Genomes Project 0.00020; gnomAD 0.00029 and 0.00036; ESP Exome Variant Server 0.00031; TOPMed 0.00034.
gnomAD v4.1: 104 of 1,613,960 alleles (0.0064%); highest among the groups gnomAD compares: African/African-American, 0.12%; no homozygotes.

Submissions (4):

Labcorp Genetics (formerly Invitae), Labcorp
Classification: Likely benign. Last evaluated: 2026-01-07. Review status: criteria provided, single submitter. Criteria: Invitae Variant Classification Sherloc (09022015). Collection method: clinical testing. Allele origin: germline.

Blueprint Genetics
Classification: Likely benign. Last evaluated: 2022-07-25. Review status: criteria provided, single submitter. Criteria: ACMG Guidelines, 2015. Collection method: clinical testing. Allele origin: germline.

GeneDx
Classification: Benign. Last evaluated: 2020-10-05. Review status: criteria provided, single submitter. Criteria: GeneDx Variant Classification Process June 2021. Collection method: clinical testing. Allele origin: germline. Affected: yes.

PreventionGenetics, part of Exact Sciences
Classification: Likely benign for KMT2A-related condition. Last evaluated: 2024-02-08. Review status: no assertion criteria provided. Collection method: clinical testing. Allele origin: germline. Not counted in ClinVar's aggregate classification.
Comment: This variant is classified as likely benign based on ACMG/AMP sequence variant interpretation guidelines (Richards et al. 2015 PMID: 25741868, with internal and published modifications).

NM_001197104.2(KMT2A):c.5733G>A (p.Ala1911=)

Gene: KMT2A (lysine methyltransferase 2A; plus strand). Cytogenetic location: 11q23.3.
Variant type: single nucleotide variant.
Coding change: c.5733G>A on transcript NM_001197104.2 (MANE Select); coding-DNA position 5733, G replaced by A.
Protein change: p.Ala1911=; no amino-acid change (alanine 1911 retained).
Molecular consequence: synonymous variant.
Genome position (GRCh38, 1-based): chr11:118,498,004, G>A. VCF-style: chr11-118498004-G-A. GRCh37 (hg19) VCF-style: chr11-118368719-G-A.
Other names: c.5724G>A, p.Ala1908= (NM_005933.4).
Identifiers: ClinVar variation 727730 (VCV000727730.14), dbSNP rs151337923, ClinGen allele CA6304102.